The following is an entry in ClinVar:

NM_001267550.2(TTN):c.59014G>A (p.Val19672Ile)

Genes: TTN (titin; minus strand), TTN-AS1 (TTN antisense RNA 1; plus strand). Cytogenetic location: 2q31.2.
Variant type: single nucleotide variant.
Coding change: c.59014G>A on transcript NM_001267550.2 (MANE Select); coding-DNA position 59014, G replaced by A.
Protein change: p.Val19672Ile; replaces valine 19672 with isoleucine.
Molecular consequence: missense variant.
Genome position (GRCh38, 1-based): chr2:178,593,194, C>T on the plus strand (G>A on the coding strand, the complement: TTN is on the minus strand). VCF-style: chr2-178593194-C-T. GRCh37 (hg19) VCF-style: chr2-179457921-C-T.
Other names: c.54091G>A, p.Val18031Ile (NM_001256850.1); c.31819G>A, p.Val10607Ile (NM_003319.4); c.51310G>A, p.Val17104Ile (NM_133378.4); c.32194G>A, p.Val10732Ile (NM_133432.3); c.32395G>A, p.Val10799Ile (NM_133437.4); short protein forms V10607I, V10799I, V17104I, V19672I, V18031I, V10732I.
Identifiers: ClinVar variation 4990356 (VCV004990356.1).
Genomic context (GRCh38, chr2:178,593,194, plus strand): 5'-AGATAACATGAAAACTGAATAAATCCATTAATACTATACCAATTGGATCTTTAGCAAAGA[C>T]TGGTTTGGATGGTGGGCTTGGATCTCCAATACCAATTTCATTTTCTGCAGAAACCCGGAA-3'
Protein context (NP_001254479.2, residues 19662-19682): IGDPSPPSKP[Val19672Ile]FAKDPIAKPS

ClinVar aggregate classification (germline): Uncertain significance (1 of 4 stars; one submission).

Conditions:
TTN-related disorder. Also called: TTN-related disorders; TTN-related condition; TTN-related disease.

Submission:

PreventionGenetics, part of Exact Sciences
Classification: Uncertain significance for TTN-related condition. Last evaluated: 2026-06-23. Review status: criteria provided, single submitter. Criteria: ACMG Guidelines, 2015. Collection method: clinical testing. Allele origin: germline.
Comment: The TTN c.59014G>A variant is predicted to result in the amino acid substitution p.Val19672Ile. To our knowledge, this variant has not been reported in the literature or in a large population database (gnomAD), indicating this variant is rare. At this time, the clinical significance of this variant is uncertain due to the absence of conclusive functional and genetic evidence.